The following is an entry in ClinVar:

NM_004260.4(RECQL4):c.712G>A (p.Glu238Lys)

Gene: RECQL4 (RecQ like helicase 4; minus strand). Cytogenetic location: 8q24.3.
Variant type: single nucleotide variant.
Coding change: c.712G>A on transcript NM_004260.4 (MANE Select); coding-DNA position 712, G replaced by A.
Protein change: p.Glu238Lys; replaces glutamic acid 238 with lysine.
Molecular consequence: missense variant.
Genome position (GRCh38, 1-based): chr8:144,516,407, C>T on the plus strand (G>A on the coding strand, the complement: RECQL4 is on the minus strand). VCF-style: chr8-144516407-C-T. GRCh37 (hg19) VCF-style: chr8-145741791-C-T.
Other names: short protein forms E238K.
Identifiers: ClinVar variation 135168 (VCV000135168.5), dbSNP rs587778651, ClinGen allele CA161892.
Genomic context (GRCh38, chr8:144,516,407, plus strand): 5'-CACTGCTGCTGGGCTGGGGGCTCCCCACACGGATGCTGACTTCTTGGAAGGCTGAAGCCT[C>T]TGGGCCCTGGGAGCCAGCACCAGGACCAAGGACAGCCGACTCACCAGGGATCAGAAGTTG-3'
Protein context (NP_004251.4, residues 228-248): LGPGAGSQGP[Glu238Lys]ASAFQEVSIR

ClinVar aggregate classification (germline): Uncertain significance. Review status: criteria provided, single submitter (1 of 4 stars). 2 submissions from 2 submitters: Uncertain significance (1). 1 of the submissions does not count toward it. Last evaluated 2024-05-29.

Conditions:
Baller-Gerold syndrome (BGS). Also called: CRANIOSYNOSTOSIS WITH RADIAL DEFECTS. Identifiers: Orphanet 1225, MedGen C0265308, MONDO:0009039, OMIM 218600.

Allele frequency attached by ClinVar (database versions not stated): gnomAD below 0.00001 and 0.00001; ExAC 0.00002; gnomAD exomes 0.00002.
gnomAD v4.1: 11 of 1,609,384 alleles (0.00068%); highest among the groups gnomAD compares: South Asian, 0.011%; no homozygotes.

Submissions (2):

Labcorp Genetics (formerly Invitae), Labcorp
Classification: Uncertain significance for Baller-Gerold syndrome. Last evaluated: 2024-05-29. Review status: criteria provided, single submitter. Criteria: Invitae Variant Classification Sherloc (09022015). Collection method: clinical testing. Allele origin: germline.
Comment: This sequence change replaces glutamic acid, which is acidic and polar, with lysine, which is basic and polar, at codon 238 of the RECQL4 protein (p.Glu238Lys). This variant is present in population databases (rs587778651, gnomAD 0.02%). This variant has not been reported in the literature in individuals affected with RECQL4-related conditions. ClinVar contains an entry for this variant (Variation ID: 135168). Experimental studies and prediction algorithms are not available or were not evaluated, and the functional significance of this variant is currently unknown. In summary, the available evidence is currently insufficient to determine the role of this variant in disease. Therefore, it has been classified as a Variant of Uncertain Significance.

ITMI
No classification provided. Condition: AllHighlyPenetrant. Last evaluated: 2013-09-19. Review status: no classification provided. Collection method: reference population. Allele origin: germline. Not counted in ClinVar's aggregate classification.
Comment: Please see associated publication for description of ethnicities

Literature cited by the submitters: PubMed 24728327 (cited by ITMI).